The following is an entry in ClinVar:

NM_153603.4(COG7):c.687+1G>A

Gene: COG7 (component of oligomeric golgi complex 7; minus strand). Cytogenetic location: 16p12.2.
Variant type: single nucleotide variant.
Coding change: c.687+1G>A on transcript NM_153603.4 (MANE Select); the canonical splice donor site of the intron after coding-DNA position 687, G replaced by A.
Molecular consequence: splice donor variant.
Genome position (GRCh38, 1-based): chr16:23,434,635, C>T on the plus strand (G>A on the coding strand, the complement: COG7 is on the minus strand). VCF-style: chr16-23434635-C-T. GRCh37 (hg19) VCF-style: chr16-23445956-C-T.
Identifiers: ClinVar variation 1986961 (VCV001986961.4), dbSNP rs2506642569, ClinGen allele CA395115397.

ClinVar aggregate classification (germline): Likely pathogenic (1 of 4 stars; one submission).

Conditions:
COG7 congenital disorder of glycosylation (CDG2E). Also called: CONGENITAL DISORDER OF GLYCOSYLATION, TYPE IIe; CDG IIe. Identifiers: Orphanet 79333, MedGen C2931010, MONDO:0012118, OMIM 608779.

Submission:

Labcorp Genetics (formerly Invitae), Labcorp
Classification: Likely pathogenic for COG7 congenital disorder of glycosylation. Last evaluated: 2024-04-17. Review status: criteria provided, single submitter. Criteria: Invitae Variant Classification Sherloc (09022015). Collection method: clinical testing. Allele origin: germline.
Comment: This sequence change affects a donor splice site in intron 5 of the COG7 gene. It is expected to disrupt RNA splicing. Variants that disrupt the donor or acceptor splice site typically lead to a loss of protein function (PMID: 16199547), and loss-of-function variants in COG7 are known to be pathogenic (PMID: 21811164). This variant is not present in population databases (gnomAD no frequency). This variant has not been reported in the literature in individuals affected with COG7-related conditions. ClinVar contains an entry for this variant (Variation ID: 1986961). Algorithms developed to predict the effect of sequence changes on RNA splicing suggest that this variant may disrupt the consensus splice site. In summary, the currently available evidence indicates that the variant is pathogenic, but additional data are needed to prove that conclusively. Therefore, this variant has been classified as Likely Pathogenic.

Literature cited by the submitters: PubMed 16199547; PubMed 21811164.